The following is an entry in ClinVar:

ClinVar aggregate classification (germline): Uncertain significance. Review status: criteria provided, multiple submitters, no conflicts (2 of 4 stars). 2 submissions from 2 submitters: Uncertain significance (2). Last evaluated 2024-11-16.

Conditions:
Pityriasis rubra pilaris (PRP). Also called: Pityriasis rubra pilaris--familial type. Identifiers: Orphanet 2897, MedGen C0032027, MONDO:0100017, OMIM 173200, MONDO:0008251.
Psoriasis 2. Identifiers: MedGen C1864497, MONDO:0011269, OMIM 602723.

gnomAD v4.1: 26 of 1,613,910 alleles (0.0016%); highest among the groups gnomAD compares: Non-Finnish European, 0.0021%; no homozygotes.

Submissions (2):

Labcorp Genetics (formerly Invitae), Labcorp
Classification: Uncertain significance for Pityriasis rubra pilaris; Psoriasis 2. Last evaluated: 2024-11-16. Review status: criteria provided, single submitter. Criteria: Invitae Variant Classification Sherloc (09022015). Collection method: clinical testing. Allele origin: germline.
Comment: This sequence change replaces arginine, which is basic and polar, with histidine, which is basic and polar, at codon 386 of the CARD14 protein (p.Arg386His). This variant is present in population databases (no rsID available, gnomAD 0.0009%). This variant has not been reported in the literature in individuals affected with CARD14-related conditions. ClinVar contains an entry for this variant (Variation ID: 1409065). Invitae Evidence Modeling of protein sequence and biophysical properties (such as structural, functional, and spatial information, amino acid conservation, physicochemical variation, residue mobility, and thermodynamic stability) indicates that this missense variant is not expected to disrupt CARD14 protein function with a negative predictive value of 95%. In summary, the available evidence is currently insufficient to determine the role of this variant in disease. Therefore, it has been classified as a Variant of Uncertain Significance.

Blueprint Genetics
Classification: Uncertain significance. Last evaluated: 2024-07-30. Review status: criteria provided, single submitter. Criteria: ACMG Guidelines, 2015. Collection method: clinical testing. Allele origin: germline.

NM_001366385.1(CARD14):c.1157G>A (p.Arg386His)

Gene: CARD14 (caspase recruitment domain family member 14; plus strand). Cytogenetic location: 17q25.3.
Variant type: single nucleotide variant.
Coding change: c.1157G>A on transcript NM_001366385.1 (MANE Select); coding-DNA position 1157, G replaced by A.
Protein change: p.Arg386His; replaces arginine 386 with histidine.
Molecular consequence: missense variant. On other transcripts: non-coding transcript variant (1).
Genome position (GRCh38, 1-based): chr17:80,191,390, G>A. VCF-style: chr17-80191390-G-A. GRCh37 (hg19) VCF-style: chr17-78165189-G-A.
Other names: c.1157G>A, p.Arg386His (NM_001257970.1, NM_024110.4); c.446G>A, p.Arg149His (NM_052819.3); short protein forms R386H, R149H.
Identifiers: ClinVar variation 1409065 (VCV001409065.9), dbSNP rs535721220, ClinGen allele CA401346135.
Genomic context (GRCh38, chr17:80,191,390, plus strand): 5'-CCGCGAGGGACAGTGCTCAGAGGGAGATTTCCCAGAGCCTGGTGGAGAAGGACTCCCTCC[G>A]CAGGCAGGTGTTCGAGCTGACGGACCAGGTCTGCGAGCTGCGCACACAGCTTCGCCAGCT-3'
Protein context (NP_001353314.1, residues 376-396): SQSLVEKDSL[Arg386His]RQVFELTDQV